The following is an entry in ClinVar:

NM_001039591.3(USP9X):c.516A>C (p.Glu172Asp)

Gene: USP9X (ubiquitin specific peptidase 9 X-linked; plus strand). Cytogenetic location: Xp11.4.
Variant type: single nucleotide variant.
Coding change: c.516A>C on transcript NM_001039591.3 (MANE Select); coding-DNA position 516, A replaced by C.
Protein change: p.Glu172Asp; replaces glutamic acid 172 with aspartic acid.
Molecular consequence: missense variant.
Genome position (GRCh38, 1-based): chrX:41,136,884, A>C. VCF-style: chrX-41136884-A-C. GRCh37 (hg19) VCF-style: chrX-40996137-A-C.
Other names: c.516A>C, p.Glu172Asp (NM_001039590.3, NM_001410748.1, NM_001410749.1); short protein forms E172D.
Identifiers: ClinVar variation 3764374 (VCV003764374.2).
Genomic context (GRCh38, chrX:41,136,884, plus strand): 5'-TCATCGTCTGGTGGAGCTATGTGTGGCCAAGTTGTCCCAAGACTGGTTTCCACTTTTAGA[A>C]CTTCTTGCCATGGCCTTAAATCCTCATTGCAAATTCCATATCTACAATGGTACACGTCCA-3'
Protein context (NP_001034680.2, residues 162-182): KLSQDWFPLL[Glu172Asp]LLAMALNPHC

ClinVar aggregate classification (germline): Uncertain significance (1 of 4 stars; one submission).

Submission:

GeneDx
Classification: Uncertain significance. Last evaluated: 2025-04-01. Review status: criteria provided, single submitter. Criteria: GeneDx Variant Classification Process June 2021. Collection method: clinical testing. Allele origin: germline.
Comment: Not observed at significant frequency in large population cohorts (gnomAD); In silico analysis indicates that this missense variant does not alter protein structure/function; Has not been previously published as pathogenic or benign to our knowledge